The following is an entry in ClinVar:

NM_005448.2(BMP15):c.202C>T (p.Arg68Trp)

Gene: BMP15 (bone morphogenetic protein 15; plus strand). Cytogenetic location: Xp11.22.
Variant type: single nucleotide variant.
Coding change: c.202C>T on transcript NM_005448.2 (MANE Select); coding-DNA position 202, C replaced by T.
Protein change: p.Arg68Trp; replaces arginine 68 with tryptophan.
Molecular consequence: missense variant.
Genome position (GRCh38, 1-based): chrX:50,910,985, C>T. VCF-style: chrX-50910985-C-T. GRCh37 (hg19) VCF-style: chrX-50653985-C-T.
Other names: short protein forms R68W.
Identifiers: ClinVar variation 11474 (VCV000011474.41), dbSNP rs104894763, ClinGen allele CA121506.
Genomic context (GRCh38, chrX:50,910,985, plus strand): 5'-CTGCTAGAAGAATCCCCTGGCGAACAGCCAAGGAAGCCCCGGCTCCTAGGGCATTCACTG[C>T]GGTACATGCTGGAGTTGTACCGGCGTTCAGCTGACTCGCATGGGCACCCTAGAGAGAACC-3'
Protein context (NP_005439.2, residues 58-78): RKPRLLGHSL[Arg68Trp]YMLELYRRSA

ClinVar aggregate classification (germline): Conflicting classifications of pathogenicity. Review status: criteria provided, conflicting classifications (1 of 4 stars). 8 submissions from 8 submitters: Uncertain significance (2); Likely benign (4). 2 of the submissions do not count toward it. Last evaluated 2025-12-15.

Conditions:
BMP15-related disorder. Also called: BMP15-related condition.
Ovarian dysgenesis 2 (ODG2). Also called: OVARIAN DYSGENESIS, HYPERGONADOTROPIC, X-LINKED; OVARIAN FAILURE, HYPERGONADOTROPIC, DUE TO OVARIAN DYSGENESIS. Identifiers: Orphanet 243, MedGen C1845294, MONDO:0010349, OMIM 300510.
Premature ovarian failure 4 (POF4). Identifiers: MedGen C1845295, MONDO:0800317, MeSH C564499.

Allele frequency attached by ClinVar (database versions not stated): 1000 Genomes Project 30x 0.00042; 1000 Genomes Project 0.00053; gnomAD 0.00056 and 0.00062; gnomAD exomes 0.00070 and 0.00116; TOPMed 0.00076; ExAC 0.00097.

Submissions (8):

Dasa
Classification: Likely benign. Last evaluated: 2025-12-15. Review status: criteria provided, single submitter. Criteria: DASA Assertion Criteria. Collection method: clinical testing. Allele origin: germline.
Comment: NM_005448.2(BMP15):c.202C>T (p.Arg68Trp) is a missense variant that results in the substitution of arginine with tryptophan. The variant is present at low frequency in population datasets. Based on the available data, this variant is classified as likely benign.

Blueprint Genetics
Classification: Likely benign. Last evaluated: 2024-10-24. Review status: criteria provided, single submitter. Criteria: ACMG Guidelines, 2015. Collection method: clinical testing. Allele origin: germline.

GeneDx
Classification: Uncertain significance. Last evaluated: 2023-09-14. Review status: criteria provided, single submitter. Criteria: GeneDx Variant Classification Process June 2021. Collection method: clinical testing. Allele origin: germline. Affected: yes.
Comment: Identified in patients with premature ovarian insufficiency referred for genetic testing at GeneDx and in published literature (Di Pasquale et al., 2006); Identified in a patient with polycystic ovary syndrome and normal serum androgen levels in published literature (Crespo et al., 2022); Published functional studies demonstrate a reduction of mature protein production and decreased synergy with GDF9, however, the biological significance of these effects is uncertain (Rossetti et al., 2009; Patio et al., 2017); In silico analysis supports that this missense variant has a deleterious effect on protein structure/function; This variant is associated with the following publications: (PMID: 34426522, 35898701, 28359091, 19377476, 16464940, 19263482)

CeGaT Center for Human Genetics Tuebingen
Classification: Uncertain significance. Last evaluated: 2023-05-01. Review status: criteria provided, single submitter. Criteria: CeGaT Center For Human Genetics Tuebingen Variant Classification Criteria Version 2. Collection method: clinical testing. Allele origin: germline. Affected: yes. Observed: 1 variant allele.
Comment: BMP15: PS4:Moderate, PS3:Supporting

Labcorp Genetics (formerly Invitae), Labcorp
Classification: Likely benign. Last evaluated: 2019-12-31. Review status: criteria provided, single submitter. Criteria: Invitae Variant Classification Sherloc (09022015). Collection method: clinical testing. Allele origin: germline.

Illumina Laboratory Services, Illumina
Classification: Likely benign for Ovarian dysgenesis 2. Last evaluated: 2017-04-27. Review status: criteria provided, single submitter. Criteria: ICSL Variant Classification Criteria 13 December 2019. Collection method: clinical testing. Allele origin: germline.
Comment: This variant was observed as part of a predisposition screen in an ostensibly healthy population. A literature search was performed for the gene, cDNA change, and amino acid change (where applicable). No publications were found based on this search. Allele frequency data from public databases allowed determination this variant is unlikely to cause disease. Therefore, this variant is classified as likely benign.

PreventionGenetics, part of Exact Sciences
Classification: Likely benign for BMP15-related condition. Last evaluated: 2023-08-30. Review status: no assertion criteria provided. Collection method: clinical testing. Allele origin: germline. Not counted in ClinVar's aggregate classification.
Comment: This variant is classified as likely benign based on ACMG/AMP sequence variant interpretation guidelines (Richards et al. 2015 PMID: 25741868, with internal and published modifications).

OMIM
Classification: Pathogenic for PREMATURE OVARIAN FAILURE 4. Last evaluated: 2009-05-01. Review status: no assertion criteria provided. Collection method: literature only. Allele origin: germline. Not counted in ClinVar's aggregate classification.

Literature cited by the submitters: PubMed 16464940 (cited by OMIM); PubMed 19263482 (cited by OMIM).